The following is an entry in ClinVar:

ClinVar aggregate classification (germline): Pathogenic (1 of 4 stars; one submission).

Conditions:
Facioscapulohumeral muscular dystrophy 2 (FSHD2). Also called: MUSCULAR DYSTROPHY, FACIOSCAPULOHUMERAL, TYPE 1B; FACIOSCAPULOHUMERAL MUSCULAR DYSTROPHY 2, DIGENIC; FSHD2, DIGENIC. Identifiers: Orphanet 269, MedGen C1834671, MONDO:0008031, OMIM 158901.

Submission:

Labcorp Genetics (formerly Invitae), Labcorp
Classification: Pathogenic for Facioscapulohumeral muscular dystrophy 2. Last evaluated: 2025-11-09. Review status: criteria provided, single submitter. Criteria: Invitae Variant Classification Sherloc (09022015). Collection method: clinical testing. Allele origin: germline.
Comment: This sequence change creates a premature translational stop signal (p.Gln1877Thrfs*3) in the SMCHD1 gene. It is expected to result in an absent or disrupted protein product. Loss-of-function variants in SMCHD1 are known to be pathogenic (PMID: 23143600). This variant is not present in population databases (gnomAD no frequency). This variant has not been reported in the literature in individuals affected with SMCHD1-related conditions. For these reasons, this variant has been classified as Pathogenic.

Literature cited by the submitters: PubMed 23143600.

NM_015295.3(SMCHD1):c.5628_5629insA (p.Gln1877fs)

Gene: SMCHD1 (structural maintenance of chromosomes flexible hinge domain containing 1; plus strand). Cytogenetic location: 18p11.32.
Variant type: Insertion.
Coding change: c.5628_5629insA on transcript NM_015295.3 (MANE Select); coding-DNA positions 5628 to 5629, A inserted.
Protein change: p.Gln1877fs; shifts the reading frame from glutamine 1877.
Molecular consequence: frameshift variant.
Genome position: GRCh38 VCF-style: chr18-2784530-T-TA. GRCh37 (hg19) VCF-style: chr18-2784528-T-TA.
Other names: short protein forms Q1877fs.
Identifiers: ClinVar variation 4730492 (VCV004730492.1).